The following is an entry in ClinVar:

ClinVar aggregate classification (germline): Uncertain significance (1 of 4 stars; one submission).

Submission:

GeneDx
Classification: Uncertain significance. Last evaluated: 2024-08-06. Review status: criteria provided, single submitter. Criteria: GeneDx Variant Classification Process June 2021. Collection method: clinical testing. Allele origin: germline. Affected: yes.
Comment: Not observed at significant frequency in large population cohorts (gnomAD); In silico analysis supports that this missense variant has a deleterious effect on protein structure/function; Has not been previously published as pathogenic or benign to our knowledge

NM_194248.3(OTOF):c.3316C>T (p.Pro1106Ser)

Gene: OTOF (otoferlin; minus strand). Cytogenetic location: 2p23.3.
Variant type: single nucleotide variant.
Coding change: c.3316C>T on transcript NM_194248.3 (MANE Select); coding-DNA position 3316, C replaced by T.
Protein change: p.Pro1106Ser; replaces proline 1106 with serine.
Molecular consequence: missense variant.
Genome position (GRCh38, 1-based): chr2:26,474,083, G>A on the plus strand (C>T on the coding strand, the complement: OTOF is on the minus strand). VCF-style: chr2-26474083-G-A. GRCh37 (hg19) VCF-style: chr2-26696951-G-A.
Other names: c.3316C>T, p.Pro1106Ser (NM_001287489.2); c.1075C>T, p.Pro359Ser (NM_004802.4, NM_194323.3); c.1246C>T, p.Pro416Ser (NM_194322.3); short protein forms P1106S, P359S, P416S.
Identifiers: ClinVar variation 3603193 (VCV003603193.1).